The following is an entry in ClinVar:

NM_001035.3(RYR2):c.799G>T (p.Val267Leu)

Gene: RYR2 (ryanodine receptor 2; plus strand). Cytogenetic location: 1q43.
Variant type: single nucleotide variant.
Coding change: c.799G>T on transcript NM_001035.3 (MANE Select); coding-DNA position 799, G replaced by T.
Protein change: p.Val267Leu; replaces valine 267 with leucine.
Molecular consequence: missense variant.
Genome position (GRCh38, 1-based): chr1:237,417,074, G>T. VCF-style: chr1-237417074-G-T. GRCh37 (hg19) VCF-style: chr1-237580374-G-T.
Other names: short protein forms V267L.
Identifiers: ClinVar variation 2714677 (VCV002714677.3), dbSNP rs1402873283, ClinGen allele CA345383623.

ClinVar aggregate classification (germline): Uncertain significance (1 of 4 stars; one submission).

Conditions:
Catecholaminergic polymorphic ventricular tachycardia 1. Also called: VENTRICULAR TACHYCARDIA, STRESS-INDUCED POLYMORPHIC 1; RYR2-Related Catecholaminergic Polymorphic Ventricular Tachycardia; VENTRICULAR TACHYCARDIA, CATECHOLAMINERGIC POLYMORPHIC, 1, WITH OR WITHOUT ATRIAL DYSFUNCTION AND/OR DILATED CARDIOMYOPATHY. Identifiers: Orphanet 3286, MedGen C1631597, MONDO:0011484, OMIM 604772.

Submission:

Labcorp Genetics (formerly Invitae), Labcorp
Classification: Uncertain significance for Catecholaminergic polymorphic ventricular tachycardia 1. Last evaluated: 2023-05-08. Review status: criteria provided, single submitter. Criteria: Invitae Variant Classification Sherloc (09022015). Collection method: clinical testing. Allele origin: germline.
Comment: This variant is not present in population databases (gnomAD no frequency). In summary, the available evidence is currently insufficient to determine the role of this variant in disease. Therefore, it has been classified as a Variant of Uncertain Significance. Advanced modeling of protein sequence and biophysical properties (such as structural, functional, and spatial information, amino acid conservation, physicochemical variation, residue mobility, and thermodynamic stability) has been performed at Invitae for this missense variant, however the output from this modeling did not meet the statistical confidence thresholds required to predict the impact of this variant on RYR2 protein function. This variant has not been reported in the literature in individuals affected with RYR2-related conditions. This sequence change replaces valine, which is neutral and non-polar, with leucine, which is neutral and non-polar, at codon 267 of the RYR2 protein (p.Val267Leu).